The following is an entry in ClinVar:

NM_001253697.2(ERBIN):c.3335C>T (p.Ser1112Leu)

Gene: ERBIN (erbb2 interacting protein; plus strand). Cytogenetic location: 5q12.3.
Variant type: single nucleotide variant.
Coding change: c.3335C>T on transcript NM_001253697.2 (MANE Select); coding-DNA position 3335, C replaced by T.
Protein change: p.Ser1112Leu; replaces serine 1112 with leucine.
Molecular consequence: missense variant.
Genome position (GRCh38, 1-based): chr5:66,054,653, C>T. VCF-style: chr5-66054653-C-T. GRCh37 (hg19) VCF-style: chr5-65350481-C-T.
Other names: p.Ser1112Leu; c.3335C>T, p.Ser1112Leu (NM_001006600.3, NM_001253698.2, NM_001253699.2 and 1 more transcripts); c.3323C>T, p.Ser1108Leu (NM_001253701.2); short protein forms S1108L, S1112L.
Identifiers: ClinVar variation 1167576 (VCV001167576.13), dbSNP rs3805466, ClinGen allele CA3286643.

ClinVar aggregate classification (germline): Benign. Review status: criteria provided, multiple submitters, no conflicts (2 of 4 stars). 4 submissions from 4 submitters: Benign (4). Last evaluated 2026-02-04.

Allele frequency attached by ClinVar (database versions not stated): 1000 Genomes Project 0.08347; ExAC 0.08444; gnomAD exomes 0.09490 and 0.05864; ESP Exome Variant Server 0.03929; gnomAD 0.05729 and 0.05991; TOPMed 0.07114; 1000 Genomes Project 30x 0.08214.
gnomAD v4.1: 94,903 of 1,613,998 alleles (5.9%); highest among the groups gnomAD compares: Admixed American, 28%; 5,488 homozygotes.

Submissions (4):

Labcorp Genetics (formerly Invitae), Labcorp
Classification: Benign. Last evaluated: 2026-02-04. Review status: criteria provided, single submitter. Criteria: Invitae Variant Classification Sherloc (09022015). Collection method: clinical testing. Allele origin: germline.

Unidad de Genómica Garrahan, Hospital de Pediatría Garrahan
Classification: Benign. Last evaluated: 2024-01-24. Review status: criteria provided, single submitter. Criteria: ACMG Guidelines, 2015. Collection method: clinical testing. Allele origin: germline. Affected: no. Observed: 31 variant alleles.
Comment: This variant is classified as Benign based on local population frequency. This variant was detected in 35% of patients studied by a panel of primary immunodeficiencies. Number of patients: 31. Only high quality variants are reported.

Mayo Clinic Laboratories, Mayo Clinic
Classification: Benign. Last evaluated: 2022-09-06. Review status: criteria provided, single submitter. Criteria: ACMG Guidelines, 2015. Collection method: clinical testing. Allele origin: germline. Observed: 19 variant alleles.

Breakthrough Genomics
Classification: Benign. Review status: criteria provided, single submitter. Criteria: ACMG Guidelines, 2015. Collection method: not provided. Allele origin: germline. Inheritance: Unknown mechanism. Affected: yes.